The following is an entry in ClinVar:

ClinVar aggregate classification (germline): Conflicting classifications of pathogenicity. Review status: criteria provided, conflicting classifications (1 of 4 stars). 3 submissions from 3 submitters: Likely pathogenic (1); Uncertain significance (2). Last evaluated 2023-04-09.

Conditions:
Cardiovascular phenotype. Identifiers: MedGen CN230736.
Hypertrophic cardiomyopathy. Also called: HYPERTROPHIC MYOCARDIOPATHY. Identifiers: Orphanet 217569, MedGen C0007194, MeSH D002312, MONDO:0005045, HP:0001639.

Submissions (3):

Labcorp Genetics (formerly Invitae), Labcorp
Classification: Uncertain significance for Hypertrophic cardiomyopathy. Last evaluated: 2023-04-09. Review status: criteria provided, single submitter. Criteria: Invitae Variant Classification Sherloc (09022015). Collection method: clinical testing. Allele origin: germline.
Comment: In summary, the available evidence is currently insufficient to determine the role of this variant in disease. Therefore, it has been classified as a Variant of Uncertain Significance. An algorithm developed to predict the effect of missense changes on protein structure and function (PolyPhen-2) suggests that this variant is likely to be disruptive. ClinVar contains an entry for this variant (Variation ID: 165571). This missense change has been observed in individual(s) with hypertrophic cardiomyopathy (PMID: 25524337, 27532257). This variant is not present in population databases (gnomAD no frequency). This sequence change replaces aspartic acid, which is acidic and polar, with asparagine, which is neutral and polar, at codon 219 of the TPM1 protein (p.Asp219Asn).

Ambry Genetics
Classification: Uncertain significance for Cardiovascular phenotype. Last evaluated: 2020-05-13. Review status: criteria provided, single submitter. Criteria: Ambry Variant Classification Scheme 2023. Collection method: clinical testing. Allele origin: germline.
Comment: The p.D219N variant (also known as c.655G>A), located in coding exon 7 of the TPM1 gene, results from a G to A substitution at nucleotide position 655. The aspartic acid at codon 219 is replaced by asparagine, an amino acid with highly similar properties. This variant was reported in an individual with hypertrophic cardiomyopathy (HCM), as well as in one individual from an HCM genetic testing cohort; however, clinical details were limited in both cases (Coppini R et al. J. Am. Coll. Cardiol., 2014 Dec;64:2589-2600; Walsh R et al. Genet. Med., 2017 02;19:192-203). This amino acid position is highly conserved in available vertebrate species. In addition, the in silico prediction for this alteration is inconclusive. Since supporting evidence is limited at this time, the clinical significance of this alteration remains unclear.

Laboratory for Molecular Medicine, Mass General Brigham Personalized Medicine
Classification: Likely pathogenic for Hypertrophic cardiomyopathy. Last evaluated: 2013-02-14. Review status: criteria provided, single submitter. Criteria: LMM Criteria. Collection method: clinical testing. Allele origin: germline. Observed: 2 variant alleles.
Comment: proposed classification - variant undergoing re-assessment, contact laboratory

Literature cited by the submitters: PubMed 25524337 (cited by Labcorp Genetics (formerly Invitae), Labcorp and Ambry Genetics); PubMed 27532257 (cited by Labcorp Genetics (formerly Invitae), Labcorp and Ambry Genetics); PubMed 21642532 (cited by Laboratory for Molecular Medicine, Mass General Brigham Personalized Medicine).

NM_001018005.2(TPM1):c.655G>A (p.Asp219Asn)

Gene: TPM1 (tropomyosin 1; plus strand). Cytogenetic location: 15q22.2.
Variant type: single nucleotide variant.
Coding change: c.655G>A on transcript NM_001018005.2 (MANE Select); coding-DNA position 655, G replaced by A.
Protein change: p.Asp219Asn; replaces aspartic acid 219 with asparagine.
Molecular consequence: missense variant.
Genome position (GRCh38, 1-based): chr15:63,062,230, G>A. VCF-style: chr15-63062230-G-A. GRCh37 (hg19) VCF-style: chr15-63354429-G-A.
Other names: c.655G>A, p.Asp219Asn (NM_000366.6, NM_001018004.2, NM_001018006.2 and 6 more transcripts); c.547G>A, p.Asp183Asn (NM_001018008.2, NM_001301289.2, NM_001330344.2 and 5 more transcripts); c.781G>A, p.Asp261Asn (NM_001365778.1); short protein forms D219N, D261N, D183N.
Identifiers: ClinVar variation 165571 (VCV000165571.10), dbSNP rs727503518, ClinGen allele CA018255.
Genomic context (GRCh38, chr15:63,062,230, plus strand): 5'-GATTGAGCTGCAGCCTGACATCTGGAATGCTCTTTCTAATTACAGTACTCGCAGAAGGAA[G>A]ACAGATATGAGGAAGAGATCAAGGTCCTTTCCGACAAGCTGAAGGAGGTAATATGAGAGT-3'
Protein context (NP_001018005.1, residues 209-229): AQAEKYSQKE[Asp219Asn]RYEEEIKVLS